The following is an entry in ClinVar:

ClinVar aggregate classification (germline): Uncertain significance. Review status: criteria provided, multiple submitters, no conflicts (2 of 4 stars). 2 submissions from 2 submitters: Uncertain significance (2). Last evaluated 2023-03-01.

Conditions:
Inborn genetic diseases. Identifiers: MedGen C0950123, MeSH D030342.

Allele frequency attached by ClinVar (database versions not stated): gnomAD exomes below 0.00001; gnomAD 0.00001; TOPMed 0.00001; ExAC 0.00002.

Submissions (2):

Ambry Genetics
Classification: Uncertain significance for Inborn genetic diseases. Last evaluated: 2023-03-01. Review status: criteria provided, single submitter. Criteria: Ambry Variant Classification Scheme 2023. Collection method: clinical testing. Allele origin: germline.

Labcorp Genetics (formerly Invitae), Labcorp
Classification: Uncertain significance. Last evaluated: 2023-02-06. Review status: criteria provided, single submitter. Criteria: Invitae Variant Classification Sherloc (09022015). Collection method: clinical testing. Allele origin: germline.
Comment: This variant is present in population databases (rs758878512, gnomAD 0.002%). This sequence change replaces glycine, which is neutral and non-polar, with arginine, which is basic and polar, at codon 580 of the TOPORS protein (p.Gly580Arg). This variant has not been reported in the literature in individuals affected with TOPORS-related conditions. In summary, the available evidence is currently insufficient to determine the role of this variant in disease. Therefore, it has been classified as a Variant of Uncertain Significance. Algorithms developed to predict the effect of missense changes on protein structure and function are either unavailable or do not agree on the potential impact of this missense change (SIFT: "Deleterious"; PolyPhen-2: "Benign"; Align-GVGD: "Class C0").

NM_005802.5(TOPORS):c.1738G>A (p.Gly580Arg)

Gene: TOPORS (TOP1 binding arginine/serine rich protein, E3 ubiquitin ligase; minus strand). Cytogenetic location: 9p21.1.
Variant type: single nucleotide variant.
Coding change: c.1738G>A on transcript NM_005802.5 (MANE Select); coding-DNA position 1738, G replaced by A.
Protein change: p.Gly580Arg; replaces glycine 580 with arginine.
Molecular consequence: missense variant.
Genome position (GRCh38, 1-based): chr9:32,542,787, C>T on the plus strand (G>A on the coding strand, the complement: TOPORS is on the minus strand). VCF-style: chr9-32542787-C-T. GRCh37 (hg19) VCF-style: chr9-32542785-C-T.
Other names: c.1543G>A, p.Gly515Arg (NM_001195622.2); short protein forms G580R, G515R.
Identifiers: ClinVar variation 2492341 (VCV002492341.5), dbSNP rs758878512, ClinGen allele CA5020479.